The following is an entry in ClinVar:

ClinVar aggregate classification (germline): Uncertain significance (1 of 4 stars; one submission).

gnomAD v4.1: 3 of 1,612,766 alleles (0.00019%); highest among the groups gnomAD compares: Non-Finnish European, 0.00025%; no homozygotes.

Submission:

GeneDx
Classification: Uncertain significance. Last evaluated: 2023-11-29. Review status: criteria provided, single submitter. Criteria: GeneDx Variant Classification Process June 2021. Collection method: clinical testing. Allele origin: germline. Affected: yes.
Comment: Not observed at significant frequency in large population cohorts (gnomAD); In silico analysis supports that this missense variant has a deleterious effect on protein structure/function; Has not been previously published as pathogenic or benign to our knowledge

NM_002861.5(PCYT2):c.1037T>A (p.Val346Asp)

Gene: PCYT2 (phosphate cytidylyltransferase 2, ethanolamine; minus strand). Cytogenetic location: 17q25.3.
Variant type: single nucleotide variant.
Coding change: c.1037T>A on transcript NM_002861.5 (MANE Select); coding-DNA position 1037, T replaced by A.
Protein change: p.Val346Asp; replaces valine 346 with aspartic acid.
Molecular consequence: missense variant.
Genome position (GRCh38, 1-based): chr17:81,905,087, A>T on the plus strand (T>A on the coding strand, the complement: PCYT2 is on the minus strand). VCF-style: chr17-81905087-A-T. GRCh37 (hg19) VCF-style: chr17-79862963-A-T.
Other names: c.1091T>A, p.Val364Asp (NM_001184917.3); c.875T>A, p.Val292Asp (NM_001256433.3); c.914T>A, p.Val305Asp (NM_001256434.3); c.803T>A, p.Val268Asp (NM_001256435.3, NM_001282203.2); c.941T>A, p.Val314Asp (NM_001282204.2); c.971T>A, p.Val324Asp (NM_001330518.2); short protein forms V268D, V292D, V305D, V314D, V324D, V346D, V364D.
Identifiers: ClinVar variation 3364807 (VCV003364807.1).